The following is an entry in ClinVar:

NM_021620.4(PRDM13):c.1798C>T (p.Pro600Ser)

Gene: PRDM13 (PR/SET domain 13; plus strand). Cytogenetic location: 6q16.2.
Variant type: single nucleotide variant.
Coding change: c.1798C>T on transcript NM_021620.4 (MANE Select); coding-DNA position 1798, C replaced by T.
Protein change: p.Pro600Ser; replaces proline 600 with serine.
Molecular consequence: missense variant.
Genome position (GRCh38, 1-based): chr6:99,614,433, C>T. VCF-style: chr6-99614433-C-T. GRCh37 (hg19) VCF-style: chr6-100062309-C-T.
Other names: short protein forms P600S.
Identifiers: ClinVar variation 1993472 (VCV001993472.4), dbSNP rs2538547780, ClinGen allele CA365121617.

ClinVar aggregate classification (germline): Uncertain significance (1 of 4 stars; one submission).

Submission:

Labcorp Genetics (formerly Invitae), Labcorp
Classification: Uncertain significance. Last evaluated: 2022-05-12. Review status: criteria provided, single submitter. Criteria: Invitae Variant Classification Sherloc (09022015). Collection method: clinical testing. Allele origin: germline.
Comment: This sequence change replaces proline, which is neutral and non-polar, with serine, which is neutral and polar, at codon 600 of the PRDM13 protein (p.Pro600Ser). In summary, the available evidence is currently insufficient to determine the role of this variant in disease. Therefore, it has been classified as a Variant of Uncertain Significance. Algorithms developed to predict the effect of missense changes on protein structure and function (SIFT, PolyPhen-2, Align-GVGD) all suggest that this variant is likely to be disruptive. This variant has not been reported in the literature in individuals affected with PRDM13-related conditions. This variant is not present in population databases (gnomAD no frequency).